The following is an entry in ClinVar:

ClinVar aggregate classification (germline): Uncertain significance. Review status: criteria provided, multiple submitters, no conflicts (2 of 4 stars). 2 submissions from 2 submitters: Uncertain significance (2). Last evaluated 2022-08-20.

Conditions:
LAMA2-related muscular dystrophy (LAMA2-RD). Also called: Laminin alpha 2-related dystrophy. Identifiers: MedGen C5679788, MONDO:0100228.

gnomAD v4.1: 4 of 1,614,104 alleles (0.00025%); highest among the groups gnomAD compares: African/African-American, 0.0013%; no homozygotes.

Submissions (2):

Labcorp Genetics (formerly Invitae), Labcorp
Classification: Uncertain significance for LAMA2-related muscular dystrophy. Last evaluated: 2022-08-20. Review status: criteria provided, single submitter. Criteria: Invitae Variant Classification Sherloc (09022015). Collection method: clinical testing. Allele origin: germline.
Comment: This sequence change replaces arginine, which is basic and polar, with proline, which is neutral and non-polar, at codon 553 of the LAMA2 protein (p.Arg553Pro). This variant is not present in population databases (gnomAD no frequency). This variant has not been reported in the literature in individuals affected with LAMA2-related conditions. Advanced modeling of protein sequence and biophysical properties (such as structural, functional, and spatial information, amino acid conservation, physicochemical variation, residue mobility, and thermodynamic stability) performed at Invitae indicates that this missense variant is not expected to disrupt LAMA2 protein function. Algorithms developed to predict the effect of sequence changes on RNA splicing suggest that this variant may create or strengthen a splice site. In summary, the available evidence is currently insufficient to determine the role of this variant in disease. Therefore, it has been classified as a Variant of Uncertain Significance.

Revvity Omics, Revvity
Classification: Uncertain significance. Last evaluated: 2019-09-09. Review status: criteria provided, single submitter. Criteria: ACMG Guidelines, 2015. Collection method: clinical testing. Allele origin: germline.

NM_000426.4(LAMA2):c.1658G>C (p.Arg553Pro)

Gene: LAMA2 (laminin subunit alpha 2; plus strand). Cytogenetic location: 6q22.33.
Variant type: single nucleotide variant.
Coding change: c.1658G>C on transcript NM_000426.4 (MANE Select); coding-DNA position 1658, G replaced by C.
Protein change: p.Arg553Pro; replaces arginine 553 with proline.
Molecular consequence: missense variant.
Genome position (GRCh38, 1-based): chr6:129,192,729, G>C. VCF-style: chr6-129192729-G-C. GRCh37 (hg19) VCF-style: chr6-129513874-G-C.
Other names: c.1658G>C, p.Arg553Pro (NM_001079823.2); short protein forms R553P.
Identifiers: ClinVar variation 1717098 (VCV001717098.5), dbSNP rs969938145, ClinGen allele CA365608190.